The following is an entry in ClinVar:

NM_002834.5(PTPN11):c.1379+10C>T

Gene: PTPN11 (protein tyrosine phosphatase non-receptor type 11; plus strand). Cytogenetic location: 12q24.13.
Variant type: single nucleotide variant.
Coding change: c.1379+10C>T on transcript NM_002834.5 (MANE Select); 10 bases into the intron after coding-DNA position 1379, C replaced by T.
Molecular consequence: intron variant. On other transcripts: 3 prime UTR variant (1).
Genome position (GRCh38, 1-based): chr12:112,486,639, C>T. VCF-style: chr12-112486639-C-T. GRCh37 (hg19) VCF-style: chr12-112924443-C-T.
Other names: c.*6C>T (NM_080601.3); c.1391+10C>T (NM_001330437.2); c.1376+10C>T (NM_001374625.1).
Identifiers: ClinVar variation 3896495 (VCV003896495.2).

ClinVar aggregate classification (germline): Likely benign (1 of 4 stars; one submission).

gnomAD v4.1: 4 of 1,611,948 alleles (0.00025%); highest among the groups gnomAD compares: Non-Finnish European, 0.00034%; no homozygotes.

Submission:

Women's Health and Genetics/Laboratory Corporation of America, LabCorp
Classification: Likely benign. Last evaluated: 2025-04-03. Review status: criteria provided, single submitter. Criteria: LabCorp Variant Classification Summary - May 2015. Collection method: clinical testing. Allele origin: germline.
Comment: Variant summary: PTPN11 c.1379+10C>T alters a non-conserved nucleotide located at a position not widely known to affect splicing. Consensus agreement among computation tools predict no significant impact on normal splicing. However, these predictions have yet to be confirmed by functional studies. The variant allele was found at a frequency of 4e-06 in 247200 control chromosomes. The available data on variant occurrences in the general population are insufficient to allow any conclusion about variant significance. To our knowledge, no occurrence of c.1379+10C>T in individuals affected with Noonan Syndrome and no experimental evidence demonstrating its impact on protein function have been reported. No submitters have cited clinical-significance assessments for this variant to ClinVar. Based on the evidence outlined above, the variant was classified as likely benign.